The following is an entry in ClinVar:

NM_001080517.3(SETD5):c.2202_2204del (p.Thr735del)

Gene: SETD5 (SET domain containing 5; plus strand). Cytogenetic location: 3p25.3.
Variant type: Deletion.
Coding change: c.2202_2204del on transcript NM_001080517.3 (MANE Select); coding-DNA positions 2202 to 2204, 3 bases deleted (GAC; older notation c.2202_2204delGAC).
Protein change: p.Thr735del; deletes threonine 735.
Molecular consequence: inframe deletion.
Genome position (GRCh38, 1-based): chr3:9,448,486-9,448,488, GAC deleted; deleting any 3 consecutive bases within chr3:9,448,484-9,448,488 gives the same sequence; the c. name uses the placement nearest the transcript's 3' end. VCF-style (leftmost placement, unchanged base first): chr3-9448483-AACG-A. GRCh37 (hg19) VCF-style: chr3-9490167-AACG-A.
Other names: c.1908_1910del, p.Thr637del (NM_001349451.2, NM_001292043.2); short protein forms T637del, T735del.
Identifiers: ClinVar variation 3603230 (VCV003603230.1).

ClinVar aggregate classification (germline): Uncertain significance (1 of 4 stars; one submission).

Submission:

GeneDx
Classification: Uncertain significance. Last evaluated: 2024-08-08. Review status: criteria provided, single submitter. Criteria: GeneDx Variant Classification Process June 2021. Collection method: clinical testing. Allele origin: germline. Affected: yes.
Comment: Not observed at significant frequency in large population cohorts (gnomAD); In-frame deletion of 1 amino acids in a non-repeat region; In silico analysis supports a deleterious effect on protein structure/function; Has not been previously published as pathogenic or benign to our knowledge